The following is an entry in ClinVar:

NM_018006.5(TRMU):c.417del (p.Phe139fs)

Gene: TRMU (tRNA mitochondrial 2-thiouridylase; plus strand). Cytogenetic location: 22q13.31.
Variant type: Deletion.
Coding change: c.417del on transcript NM_018006.5 (MANE Select); coding-DNA position 417, one base deleted (T; older notation c.417delT).
Protein change: p.Phe139fs; shifts the reading frame from phenylalanine 139.
Molecular consequence: frameshift variant. On other transcripts: nonsense (2), non-coding transcript variant (2).
Genome position (GRCh38, 1-based): chr22:46,346,483, T deleted; the last of 3 consecutive T bases (chr22:46,346,481-46,346,483); deleting any one gives the same sequence. VCF-style (leftmost placement, unchanged base first): chr22-46346480-CT-C. GRCh37 (hg19) VCF-style: chr22-46742377-CT-C.
Other names: c.75del, p.Phe25fs (NM_001282782.2); c.56del, p.Ser18_Leu19insTer (NM_001282783.2, NM_001282784.2); c.417del, p.Phe139fs (NM_001282785.2); short protein forms F139fs, F25fs.
Identifiers: ClinVar variation 958775 (VCV000958775.8), dbSNP rs2078261207, ClinGen allele CA1139667159.

ClinVar aggregate classification (germline): Pathogenic. Review status: criteria provided, multiple submitters, no conflicts (2 of 4 stars). 2 submissions from 2 submitters: Pathogenic (2). Last evaluated 2026-04-30.

Conditions:
Acute infantile liver failure due to synthesis defect of mtDNA-encoded proteins. Also called: LIVER FAILURE, INFANTILE, TRANSIENT; Liver failure acute infantile; TRMU Deficiency. Identifiers: Orphanet 217371, MedGen C3278664, MONDO:0013111, OMIM 613070.

Submissions (2):

Myriad Genetics, Inc.
Classification: Pathogenic for Acute infantile liver failure due to synthesis defect of mtDNA-encoded proteins. Last evaluated: 2026-04-30. Review status: criteria provided, single submitter. Criteria: Myriad Autosomal Dominant, Autosomal Recessive and X-Linked Classification Criteria (2023). Collection method: clinical testing. Allele origin: unknown.
Comment: NM_018006.4(TRMU):c.417delT(F139Lfs*23) is expected to be pathogenic in the context of acute liver failure, TRMU-related. This variant is predicted to lead to an abnormal or absent protein product due to the creation of a premature termination codon in TRMU, a gene where loss-of-function variants are known to be pathogenic. Please note: this variant was assessed in the context of healthy population screening.

Labcorp Genetics (formerly Invitae), Labcorp
Classification: Pathogenic. Last evaluated: 2019-09-27. Review status: criteria provided, single submitter. Criteria: Invitae Variant Classification Sherloc (09022015). Collection method: clinical testing. Allele origin: germline.
Comment: For these reasons, this variant has been classified as Pathogenic. Loss-of-function variants in TRMU are known to be pathogenic (PMID: 19732863, 23625533). This variant has not been reported in the literature in individuals with TRMU-related conditions. This variant is not present in population databases (ExAC no frequency). This sequence change creates a premature translational stop signal (p.Phe139Leufs*23) in the TRMU gene. It is expected to result in an absent or disrupted protein product.

Literature cited by the submitters: PubMed 19732863 (cited by Labcorp Genetics (formerly Invitae), Labcorp); PubMed 23625533 (cited by Labcorp Genetics (formerly Invitae), Labcorp).